The following is an entry in ClinVar:

ClinVar aggregate classification (germline): Uncertain significance (1 of 4 stars; one submission).

gnomAD v4.1: 1 of 1,614,168 alleles (0.000062%); highest among the groups gnomAD compares: Non-Finnish European, 0.000085%; no homozygotes.

Submission:

Ambry Genetics
Classification: Uncertain significance. Last evaluated: 2026-01-03. Review status: criteria provided, single submitter. Criteria: Ambry Variant Classification Scheme 2023. Collection method: clinical testing. Allele origin: germline.
Comment: The p.S401L variant (also known as c.1202C>T), located in coding exon 12 of the KIF1B gene, results from a C to T substitution at nucleotide position 1202. The serine at codon 401 is replaced by leucine, an amino acid with dissimilar properties. This amino acid position is conserved. In addition, the in silico prediction for this alteration is inconclusive. Based on the available evidence, the clinical significance of this variant remains unclear.

NM_001365951.3(KIF1B):c.1340C>T (p.Ser447Leu)

Gene: KIF1B (kinesin family member 1B; plus strand). Cytogenetic location: 1p36.22.
Variant type: single nucleotide variant.
Coding change: c.1340C>T on transcript NM_001365951.3 (MANE Select); coding-DNA position 1340, C replaced by T.
Protein change: p.Ser447Leu; replaces serine 447 with leucine.
Molecular consequence: missense variant.
Genome position (GRCh38, 1-based): chr1:10,282,439, C>T. VCF-style: chr1-10282439-C-T. GRCh37 (hg19) VCF-style: chr1-10342497-C-T.
Other names: c.1340C>T, p.Ser447Leu (NM_001365952.1); c.1202C>T, p.Ser401Leu (NM_001365953.1, NM_015074.3, NM_183416.4); short protein forms S447L, S401L.
Identifiers: ClinVar variation 4841884 (VCV004841884.1).